The following is an entry in ClinVar:

NM_001365276.2(TNXB):c.10616del (p.Glu3539fs)

Genes: TNXB (tenascin XB; minus strand), LOC106780803 (tenascin XB recombination region; plus strand). Cytogenetic location: 6p21.33.
Variant type: Deletion.
Coding change: c.10616del on transcript NM_001365276.2 (MANE Select); coding-DNA position 10616, one base deleted (A; older notation c.10616delA).
Protein change: p.Glu3539fs; shifts the reading frame from glutamic acid 3539.
Molecular consequence: frameshift variant. On other transcripts: 5 prime UTR variant (1).
Genome position (GRCh38, 1-based): chr6:32,045,317, T deleted on the plus strand (A on the coding strand, the reverse complement: TNXB is on the minus strand). VCF-style (leftmost placement, unchanged base first): chr6-32045316-CT-C. GRCh37 (hg19) VCF-style: chr6-32013093-CT-C.
Other names: c.10610del, p.Glu3537fs (NM_019105.8); c.-98del (NM_032470.4); short protein forms E3537fs, E3539fs.
Identifiers: ClinVar variation 3257508 (VCV003257508.17).

ClinVar aggregate classification (germline): Pathogenic (1 of 4 stars; one submission).

Submission:

CeGaT Center for Human Genetics Tuebingen
Classification: Pathogenic. Last evaluated: 2024-07-01. Review status: criteria provided, single submitter. Criteria: CeGaT Center For Human Genetics Tuebingen Variant Classification Criteria Version 2. Collection method: clinical testing. Allele origin: germline. Affected: yes. Observed: 1 variant allele.
Comment: TNXB: PVS1, PM2